The following is an entry in ClinVar:

ClinVar aggregate classification (germline): Likely pathogenic (0 of 4 stars; one submission).

Conditions:
RNASEH2A-related disorder. Also called: RNASEH2A-related condition.

Submission:

PreventionGenetics, part of Exact Sciences
Classification: Likely pathogenic for RNASEH2A-related condition. Last evaluated: 2024-01-13. Review status: no assertion criteria provided. Collection method: clinical testing. Allele origin: germline.
Comment: The RNASEH2A c.718_719delinsGCAT variant is predicted to result in a frameshift and premature protein termination (p.Thr240Alafs*77). This variant was reported in an individual with Aicardi-Goutières syndrome (described as c.717dup and c.719C>T on the same allele, Rice et al. 2007. PubMed ID: 17846997; Rice et al. 2013. PubMed ID: 24183309). This variant has not been reported in a large population database, indicating this variant is rare. Frameshift variants in RNASEH2A are expected to be pathogenic. This variant is interpreted as likely pathogenic.

NM_006397.3(RNASEH2A):c.718_719delinsGCAT (p.Thr240fs)

Gene: RNASEH2A (ribonuclease H2 subunit A; plus strand). Cytogenetic location: 19p13.13.
Variant type: Indel.
Coding change: c.718_719delinsGCAT on transcript NM_006397.3 (MANE Select); coding-DNA positions 718 to 719, AC replaced by GCAT.
Protein change: p.Thr240fs; shifts the reading frame from threonine 240.
Molecular consequence: frameshift variant.
Genome position (GRCh38, 1-based): chr19:12,813,163-12,813,164, AC replaced by GCAT. VCF-style: chr19-12813163-AC-GCAT. GRCh37 (hg19) VCF-style: chr19-12923977-AC-GCAT.
Other names: c.718_719delACinsGCAT, p.Thr240Alafs (NM_006397.2); short protein forms T240fs.
Identifiers: ClinVar variation 3034099 (VCV003034099.2), dbSNP rs2512479908, ClinGen allele CA2695228568.